The following is an entry in ClinVar:

NM_020207.7(ERCC6L2):c.1784C>T (p.Ala595Val)

Gene: ERCC6L2 (ERCC excision repair 6 like 2; plus strand). Cytogenetic location: 9q22.32.
Variant type: single nucleotide variant.
Coding change: c.1784C>T on transcript NM_020207.7 (MANE Select); coding-DNA position 1784, C replaced by T.
Protein change: p.Ala595Val; replaces alanine 595 with valine.
Molecular consequence: missense variant. On other transcripts: non-coding transcript variant (1).
Genome position (GRCh38, 1-based): chr9:95,941,486, C>T. VCF-style: chr9-95941486-C-T. GRCh37 (hg19) VCF-style: chr9-98703768-C-T.
Other names: c.1784C>T, p.Ala595Val (NM_001010895.4, NM_001375291.1, NM_001375292.1 and 2 more transcripts); short protein forms A595V.
Identifiers: ClinVar variation 4019272 (VCV004019272.1).

ClinVar aggregate classification (germline): Uncertain significance (1 of 4 stars; one submission).

Conditions:
Inborn genetic diseases. Identifiers: MedGen C0950123, MeSH D030342.

gnomAD v4.1: 4 of 1,612,742 alleles (0.00025%); highest among the groups gnomAD compares: Admixed American, 0.0033%; no homozygotes.

Submission:

Ambry Genetics
Classification: Uncertain significance for Inborn genetic diseases. Last evaluated: 2025-03-28. Review status: criteria provided, single submitter. Criteria: Ambry Variant Classification Scheme 2023. Collection method: clinical testing. Allele origin: germline.
Comment: The p.A595V variant (also known as c.1784C>T), located in coding exon 12 of the ERCC6L2 gene, results from a C to T substitution at nucleotide position 1784. The alanine at codon 595 is replaced by valine, an amino acid with similar properties. This amino acid position is conserved. In addition, this alteration is predicted to be deleterious by in silico analysis. Based on the available evidence, the clinical significance of this variant remains unclear.